The following is an entry in ClinVar:

ClinVar aggregate classification (germline): Likely benign (1 of 4 stars; one submission).

Allele frequency attached by ClinVar (database versions not stated): 1000 Genomes Project 0.00053; 1000 Genomes Project 30x 0.00062; TOPMed 0.00097; gnomAD 0.00105.
gnomAD v4.1: 117 of 112,205 alleles (0.1%); highest among the groups gnomAD compares: Middle Eastern, 1.4%; 1 homozygote.

Submission:

CeGaT Center for Human Genetics Tuebingen
Classification: Likely benign. Last evaluated: 2023-12-01. Review status: criteria provided, single submitter. Criteria: CeGaT Center For Human Genetics Tuebingen Variant Classification Criteria Version 2. Collection method: clinical testing. Allele origin: germline. Affected: yes. Observed: 3 variant alleles.
Comment: HPRT1: BS2

NM_000194.3(HPRT1):c.318+3362C>T

Gene: HPRT1 (hypoxanthine phosphoribosyltransferase 1; plus strand). Cytogenetic location: Xq26.2.
Variant type: single nucleotide variant.
Coding change: c.318+3362C>T on transcript NM_000194.3 (MANE Select); 3362 bases into the intron after coding-DNA position 318, C replaced by T.
Molecular consequence: intron variant.
Genome position (GRCh38, 1-based): chrX:134,478,726, C>T. VCF-style: chrX-134478726-C-T. GRCh37 (hg19) VCF-style: chrX-133612756-C-T.
Identifiers: ClinVar variation 2661476 (VCV002661476.24), dbSNP rs192172847, ClinGen allele CA336034221.